The following is an entry in ClinVar:

NM_183357.3(ADCY5):c.1285-3C>T

Gene: ADCY5 (adenylate cyclase 5; minus strand). Cytogenetic location: 3q21.1.
Variant type: single nucleotide variant.
Coding change: c.1285-3C>T on transcript NM_183357.3 (MANE Select); 3 bases into the intron before coding-DNA position 1285, C replaced by T.
Molecular consequence: intron variant.
Genome position (GRCh38, 1-based): chr3:123,347,906, G>A on the plus strand (C>T on the coding strand, the complement: ADCY5 is on the minus strand). VCF-style: chr3-123347906-G-A. GRCh37 (hg19) VCF-style: chr3-123066753-G-A.
Other names: c.1285-3C>T (NM_001378259.1); c.235-3C>T (NM_001199642.1).
Identifiers: ClinVar variation 4822423 (VCV004822423.4).

ClinVar aggregate classification (germline): Uncertain significance (1 of 4 stars; one submission).

gnomAD v4.1: 10 of 1,613,950 alleles (0.00062%); highest among the groups gnomAD compares: Admixed American, 0.0033%; no homozygotes.

Submission:

CeGaT Center for Human Genetics Tuebingen
Classification: Uncertain significance. Last evaluated: 2026-02-01. Review status: criteria provided, single submitter. Criteria: CeGaT Center For Human Genetics Tuebingen Variant Classification Criteria Version 2. Collection method: clinical testing. Allele origin: germline. Affected: yes. Observed: 1 variant allele.
Comment: ADCY5: PM2, BP4